The following is an entry in ClinVar:

NM_001166114.2(PNPLA6):c.3210+20T>G

Gene: PNPLA6 (patatin like domain 6, lysophospholipase; plus strand). Cytogenetic location: 19p13.2.
Variant type: single nucleotide variant.
Coding change: c.3210+20T>G on transcript NM_001166114.2 (MANE Select); 20 bases into the intron after coding-DNA position 3210, T replaced by G.
Molecular consequence: intron variant.
Genome position (GRCh38, 1-based): chr19:7,556,589, T>G. VCF-style: chr19-7556589-T-G. GRCh37 (hg19) VCF-style: chr19-7621475-T-G.
Other names: c.3096+20T>G (NM_006702.5, NM_001166113.1); c.3015+20T>G (NM_001166112.2); c.3240+20T>G (NM_001166111.2).
Identifiers: ClinVar variation 378402 (VCV000378402.12), dbSNP rs45505598, ClinGen allele CA9140361.

ClinVar aggregate classification (germline): Benign. Review status: criteria provided, multiple submitters, no conflicts (2 of 4 stars). 4 submissions from 4 submitters: Benign (4). Last evaluated 2026-02-04.

Conditions:
Hereditary spastic paraplegia 39 (SPG39). Also called: SPASTIC PARAPLEGIA 39, AUTOSOMAL RECESSIVE; Spastic Paraplegia Type 39 (SPG39). Identifiers: Orphanet 139480, MedGen C2677586, MONDO:0012787, OMIM 612020.

Allele frequency attached by ClinVar (database versions not stated): 1000 Genomes Project 0.12560; gnomAD exomes 0.12563 and 0.13481; ExAC 0.12977; 1000 Genomes Project 30x 0.13335; gnomAD 0.16195 and 0.16710; TOPMed 0.16199; ESP Exome Variant Server 0.17799.
gnomAD v4.1: 217,592 of 1,585,000 alleles (14%); highest among the groups gnomAD compares: African/African-American, 24%; 16,320 homozygotes.

Submissions (4):

Labcorp Genetics (formerly Invitae), Labcorp
Classification: Benign for Hereditary spastic paraplegia 39. Last evaluated: 2026-02-04. Review status: criteria provided, single submitter. Criteria: Invitae Variant Classification Sherloc (09022015). Collection method: clinical testing. Allele origin: germline.

Blueprint Genetics
Classification: Benign. Last evaluated: 2024-11-28. Review status: criteria provided, single submitter. Criteria: ACMG Guidelines, 2015. Collection method: clinical testing. Allele origin: germline.

GeneDx
Classification: Benign. Last evaluated: 2016-01-22. Review status: criteria provided, single submitter. Criteria: GeneDx Variant Classification (06012015). Collection method: clinical testing. Allele origin: germline. Affected: yes.
Comment: This variant is considered likely benign or benign based on one or more of the following criteria: it is a conservative change, it occurs at a poorly conserved position in the protein, it is predicted to be benign by multiple in silico algorithms, and/or has population frequency not consistent with disease.

Breakthrough Genomics
Classification: Benign. Review status: criteria provided, single submitter. Criteria: ACMG Guidelines, 2015. Collection method: not provided. Allele origin: germline. Inheritance: Autosomal recessive inheritance. Affected: yes.